The following is an entry in ClinVar:

ClinVar aggregate classification (germline): Uncertain significance (1 of 4 stars; one submission).

Conditions:
Polycystic kidney disease, adult type (PKD1). Also called: Polycystic Kidney Disease 1, Autosomal Dominant; Polycystic kidney disease 1; Polycystic kidney disease 1, severe; POLYCYSTIC KIDNEY DISEASE, ADULT, TYPE I; Polycystic Kidney, Autosomal Dominant; POLYCYSTIC KIDNEY DISEASE 1 WITH OR WITHOUT POLYCYSTIC LIVER DISEASE. Identifiers: MedGen C3149841, MONDO:0008263, OMIM 173900.

Submission:

Victorian Clinical Genetics Services, Murdoch Childrens Research Institute
Classification: Uncertain significance for Polycystic kidney disease, adult type. Last evaluated: 2026-02-19. Review status: criteria provided, single submitter. Criteria: ACMG Guidelines, 2015. Collection method: clinical testing. Allele origin: germline. Affected: yes.
Comment: This variant is classified as VUS-3B. Evidence in support of pathogenic classification: Variant is absent from gnomAD (v2, v3 and v4); This variant has limited previous evidence of pathogenicity in an unrelated individual. This variant has been identified in an individual with ADPKD in the literature (PMID: 36645493). Additional information: Variant is predicted to result in a missense amino acid change from Val to Asp; This variant is heterozygous; This gene is associated with autosomal dominant disease. Polycystic kidney disease 1 (MIM#173900) is predominantly caused by monoallelic variants, with rare reports of biallelic variants causing disease (OMIM); Alternative amino acid change(s) at the same position are present in gnomAD (highest allele count: v4: 2 heterozygote(s), 0 homozygote(s)); No published evidence of segregation with disease has been identified for this variant; No published functional evidence has been identified for this variant; No comparable missense variants have previous evidence for pathogenicity; Variant is not located in an established domain, motif, hotspot or informative constraint region; Missense variant with inconclusive in silico prediction and/or uninformative conservation; Loss of function is a known mechanism of disease in this gene and is associated with polycystic kidney disease 1 (MIM#173900); Inheritance information for this variant is not currently available in this individual.

Literature cited by the submitters: PubMed 36645493.

NM_001009944.3(PKD1):c.2393T>A (p.Val798Asp)

Gene: PKD1 (polycystin 1, transient receptor potential channel interacting; minus strand). Cytogenetic location: 16p13.3.
Variant type: single nucleotide variant.
Coding change: c.2393T>A on transcript NM_001009944.3 (MANE Select); coding-DNA position 2393, T replaced by A.
Protein change: p.Val798Asp; replaces valine 798 with aspartic acid.
Molecular consequence: missense variant.
Genome position (GRCh38, 1-based): chr16:2,114,630, A>T on the plus strand (T>A on the coding strand, the complement: PKD1 is on the minus strand). VCF-style: chr16-2114630-A-T. GRCh37 (hg19) VCF-style: chr16-2164631-A-T.
Other names: c.2393T>A, p.Val798Asp (NM_000296.4); short protein forms V798D.
Identifiers: ClinVar variation 4879623 (VCV004879623.1).